The following is an entry in ClinVar:

NM_032228.6(FAR1):c.1438C>T (p.Arg480Cys)

Gene: FAR1 (fatty acyl-CoA reductase 1; plus strand). Cytogenetic location: 11p15.3.
Variant type: single nucleotide variant.
Coding change: c.1438C>T on transcript NM_032228.6 (MANE Select); coding-DNA position 1438, C replaced by T.
Protein change: p.Arg480Cys; replaces arginine 480 with cysteine.
Molecular consequence: missense variant.
Genome position (GRCh38, 1-based): chr11:13,728,664, C>T. VCF-style: chr11-13728664-C-T. GRCh37 (hg19) VCF-style: chr11-13750211-C-T.
Other names: short protein forms R480C.
Identifiers: ClinVar variation 423867 (VCV000423867.57), dbSNP rs12799308, ClinGen allele CA16619294.

ClinVar aggregate classification (germline): Pathogenic/Likely pathogenic. Review status: criteria provided, multiple submitters, no conflicts (2 of 4 stars). 9 submissions from 9 submitters: Pathogenic (7); Likely pathogenic (1). 1 of the submissions does not count toward it. Last evaluated 2025-10-27.

Conditions:
FAR1-related neurodevelopmental disorder.
CATARACTS, SPASTIC PARAPLEGIA, AND SPEECH DELAY.
Spastic paraparesis-cataracts-speech delay syndrome (CSPSD). Also called: CATARACTS, SPASTIC PARAPARESIS, AND SPEECH DELAY. Identifiers: Orphanet 615938, MedGen C5543440, MONDO:0036212, OMIM 619338.

Submissions (9):

3billion
Classification: Pathogenic for Spastic paraparesis-cataracts-speech delay syndrome. Last evaluated: 2025-10-27. Review status: criteria provided, single submitter. Criteria: ACMG Guidelines, 2015. Collection method: clinical testing. Allele origin: germline. Affected: yes.
Comment: The variant is not observed in the gnomAD v4.1.0 dataset. Predicted Consequence/Location: Missense variant. Missense changes are a common disease-causing mechanism. Functional studies provide moderate evidence of the variant having a damaging effect on the gene or gene product (PMID: 33239752). The same nucleotide change resulting in the same amino acid change has been previously reported as pathogenic/likely pathogenic with strong evidence (ClinVar ID: VCV000423867 /PMID: 33239752 /3billion dataset). The variant has been previously reported as de novo in at least two similarly affected unrelated individuals (PMID: 33239752). The variant has been observed in multiple (>3) similarly affected unrelated individuals (PMID: 33239752). Different missense changes at the same codon (p.Arg480His, p.Arg480Leu, p.Arg480Ser) have been reported as pathogenic/likely pathogenic with strong evidence (ClinVar ID: VCV000372689, VCV000426339, VCV002445439 /PMID: 33239752, 37335441 /3billion dataset). Therefore, this variant is classified as Pathogenic according to the recommendation of ACMG/AMP guideline.

Labcorp Genetics (formerly Invitae), Labcorp
Classification: Pathogenic. Last evaluated: 2024-04-15. Review status: criteria provided, single submitter. Criteria: Invitae Variant Classification Sherloc (09022015). Collection method: clinical testing. Allele origin: germline.
Comment: This sequence change replaces arginine, which is basic and polar, with cysteine, which is neutral and slightly polar, at codon 480 of the FAR1 protein (p.Arg480Cys). This variant is not present in population databases (gnomAD no frequency). This missense change has been observed in individual(s) with autosomal dominant FAR1-related conditions (PMID: 33239752; Invitae). In at least one individual the variant was observed to be de novo. ClinVar contains an entry for this variant (Variation ID: 423867). An algorithm developed to predict the effect of missense changes on protein structure and function (PolyPhen-2) suggests that this variant is likely to be tolerated. This variant disrupts the p.Arg480 amino acid residue in FAR1. Other variant(s) that disrupt this residue have been determined to be pathogenic (PMID: 33239752). This suggests that this residue is clinically significant, and that variants that disrupt this residue are likely to be disease-causing. For these reasons, this variant has been classified as Pathogenic.

Baylor Genetics
Classification: Pathogenic for Spastic paraparesis-cataracts-speech delay syndrome. Last evaluated: 2024-03-28. Review status: criteria provided, single submitter. Criteria: ACMG Guidelines, 2015. Collection method: clinical testing. Allele origin: unknown.

Variantyx, Inc.
Classification: Pathogenic for Spastic paraparesis-cataracts-speech delay syndrome. Last evaluated: 2022-11-07. Review status: criteria provided, single submitter. Criteria: Variantyx Assertion Criteria 2022. Collection method: clinical testing. Allele origin: de novo. Inheritance: Autosomal dominant inheritance. Affected: yes.
Comment: This is a nonsynonymous variant in the FAR1 gene (OMIM 616107). Heterozygous pathogenic variants in this gene have been associated with autosomal dominant cataracts, spastic paraparesis, and speech delay (CSPSD). This variant has been reported in the heterozygous state in multiple unrelated affected individuals (PMID: 33239752) (PS4). All reported pathogenic variants associated with CSPSD have been de novo missense substitutions of the same amino acid residue (Arg480) (PMID: 33239752) (PM1). Functional studies have shown that this variant leads to increased FAR1 enzymatic activity and increased plasmalogen levels, consistent with a gain-of-function disease mechanism (PMID: 33239752) (PS3_Moderate). Multiple computational algorithms predict a deleterious effect for this substitution (PP3). This variant is absent from control populations (PM2_Supporting). Based on current evidence, this variant is classified as pathogenic for autosomal dominant CSPSD.

Clinical Genetics Laboratory, Skane University Hospital Lund
Classification: Pathogenic. Last evaluated: 2022-05-27. Review status: criteria provided, single submitter. Criteria: ACMG Guidelines, 2015. Collection method: clinical testing. Allele origin: germline. Affected: yes.

GeneDx
Classification: Pathogenic. Last evaluated: 2021-12-07. Review status: criteria provided, single submitter. Criteria: GeneDx Variant Classification Process June 2021. Collection method: clinical testing. Allele origin: germline. Affected: yes.
Comment: Not observed at significant frequency in large population cohorts (Lek et al., 2016); In silico analysis supports that this missense variant has a deleterious effect on protein structure/function; This variant is associated with the following publications: (PMID: 33239752)

Illumina Laboratory Services, Illumina
Classification: Pathogenic for FAR1-related neurodevelopmental disorder. Last evaluated: 2021-08-04. Review status: criteria provided, single submitter. Criteria: ICSLVariantClassificationCriteria RUGD 01 April 2020. Collection method: clinical testing. Allele origin: unknown.
Comment: The FAR1 c.1438C>T (p.Arg480Cys) variant is a missense variant that has been identified in one study in a heterozygous state in seven individuals with clinical features that include spastic paraparesis, bilateral cataracts, developmental delay, and seizures (Ferdinandusse et al. 2021). The same study also identified two other variants at amino acid residue Arg480, p.Arg480His and p.Arg480Leu, in four patients and one patient, respectively (Ferdinandusse et al. 2021). Inheritance was confirmed to be de novo in all cases. The p.Arg480Cys is not found in the Genome Aggregation Database (version 2.1.1 or version 3.1.1) in a region of good sequence coverage, so the variant is presumed to be rare. Functional studies using fibroblasts from one patient that carried the p.Arg480Cys variant demonstrated increased plasmalogen levels and FAR1 enzymatic activity, elevated ether lipid synthesis, and altered lipome composition (Ferdinandusse et al. 2021). Based on the collective evidence, the p.Arg480Cys variant is classified as pathogenic for autosomal dominant FAR1-related neurodevelopmental disorder.

CeGaT Center for Human Genetics Tuebingen
Classification: Likely pathogenic. Last evaluated: 2020-04-01. Review status: criteria provided, single submitter. Criteria: CeGaT Center For Human Genetics Tuebingen Variant Classification Criteria Version 2. Collection method: clinical testing. Allele origin: germline. Affected: yes. Observed: 3 variant alleles.

OMIM
Classification: Pathogenic for CATARACTS, SPASTIC PARAPLEGIA, AND SPEECH DELAY. Last evaluated: 2021-05-20. Review status: no assertion criteria provided. Collection method: literature only. Allele origin: germline. Not counted in ClinVar's aggregate classification.

Literature cited by the submitters: PubMed 33239752 (cited by 5 submitters).